The following is an entry in ClinVar:

ClinVar aggregate classification (germline): Uncertain significance (1 of 4 stars; one submission).

Conditions:
COG4-related disorder. Also called: COG4-related condition.

Allele frequency attached by ClinVar (database versions not stated): gnomAD exomes below 0.00001.
gnomAD v4.1: 1 of 1,613,256 alleles (0.000062%); highest among the groups gnomAD compares: Non-Finnish European, 0.000085%; no homozygotes.

Submission:

PreventionGenetics, part of Exact Sciences
Classification: Uncertain significance for COG4-related condition. Last evaluated: 2023-07-28. Review status: criteria provided, single submitter. Criteria: ACMG Guidelines, 2015. Collection method: clinical testing. Allele origin: germline.
Comment: The COG4 c.2332G>C variant is predicted to result in the amino acid substitution p.Asp778His. To our knowledge, this variant has not been reported in the literature or in a large population database, indicating this variant is rare. At this time, the clinical significance of this variant is uncertain due to the absence of conclusive functional and genetic evidence.

NM_015386.3(COG4):c.2332G>C (p.Asp778His)

Gene: COG4 (component of oligomeric golgi complex 4; minus strand). Cytogenetic location: 16q22.1.
Variant type: single nucleotide variant.
Coding change: c.2332G>C on transcript NM_015386.3 (MANE Select); coding-DNA position 2332, G replaced by C.
Protein change: p.Asp778His; replaces aspartic acid 778 with histidine.
Molecular consequence: missense variant. On other transcripts: non-coding transcript variant (1).
Genome position (GRCh38, 1-based): chr16:70,481,048, C>G on the plus strand (G>C on the coding strand, the complement: COG4 is on the minus strand). VCF-style: chr16-70481048-C-G. GRCh37 (hg19) VCF-style: chr16-70514951-C-G.
Other names: c.2257G>C, p.Asp753His (NM_001195139.2); c.1906G>C, p.Asp636His (NM_001365426.1); short protein forms D636H, D753H, D778H.
Identifiers: ClinVar variation 2631737 (VCV002631737.1), dbSNP rs1567718770, ClinGen allele CA396577216.